The following is an entry in ClinVar:

ClinVar aggregate classification (germline): Uncertain significance (1 of 4 stars; one submission).

Conditions:
Primary dilated cardiomyopathy (DCM). Also called: Dilated Cardiomyopathy. Identifiers: Orphanet 217604, MedGen C0007193, MeSH D002311, MONDO:0005021, HP:0001644. Inheritance: Various modes of inheritance.

Submission:

Victorian Clinical Genetics Services, Murdoch Childrens Research Institute
Classification: Uncertain significance for Primary dilated cardiomyopathy. Last evaluated: 2022-03-31. Review status: criteria provided, single submitter. Criteria: ACMG Guidelines, 2015. Collection method: clinical testing. Allele origin: germline. Inheritance: Autosomal dominant inheritance.
Comment: Based on the classification scheme VCGS_Germline_v1.3.4, this variant is classified as VUS-3A. Following criteria are met: 0103 - Loss of function and toxic gain of function are known mechanisms of disease in this gene and are associated with familial hypertrophic cardiomyopathy 26 and restrictive cardiomyopathy 5 (MIM#617047), myofibrillar myopathy 5 (MIM#609524) and dilated cardiomyopathy (MONDO#0005021); and distal myopathy 4 (MIM#614065), respectively (PMID: 32112656). (I) 0107 - This gene is associated with autosomal dominant disease. Nonsense-mediated decay variants are generally associated with dilated cardiomyopathy (MONDO#0005021), while missense variants are associated with familial hypertrophic cardiomyopathy 26 and restrictive cardiomyopathy 5 (MIM#617047), myofibrillar myopathy 5 (MIM#609524) and distal myopathy 4 (MIM#614065). There is no clear phenotype-genotype correlation in terms of variant location for missense variants leading to the various phenotypes (PMID: 32112656). (I) 0211 - Canonical splice site variant without proven consequence on splicing (no functional evidence available). (SP) 0251 - This variant is heterozygous. (I) 0301 - Variant is absent from gnomAD (both v2 and v3). (SP) 0311 - An alternative nucleotide change at the same canonical splice site, is present in gnomAD (v2: 1 heterozygote, 0 homozygotes). (SB) 0505 - Abnormal splicing is predicted by in silico tools and affected nucleotides are highly conserved. (SP) 0704 - Another splice site variant comparable to the one identified in this case has limited previous evidence for pathogenicity. c.3193-2A>G has been classified as likely pathogenic by a diagnostic laboratory in ClinVar. (SP) 0807 - This variant has no previous evidence of pathogenicity. (I) 0905 - No published segregation evidence has been identified for this variant. (I) 1007 - No published functional evidence has been identified for this variant. (I) Legend: (SP) - Supporting pathogenic, (I) - Information, (SB) - Supporting benign

Literature cited by the submitters: PubMed 32112656.

NM_001458.5(FLNC):c.3193-2_3201del

Gene: FLNC (filamin C; plus strand). Cytogenetic location: 7q32.1.
Variant type: Deletion.
Coding change: c.3193-2_3201del on transcript NM_001458.5 (MANE Select); the canonical splice acceptor site of the intron before coding-DNA position 3193 through coding-DNA position 3201, 11 bases deleted (AGGTCTGTGCT).
Molecular consequence: splice acceptor variant.
Genome position (GRCh38, 1-based): chr7:128,844,656-128,844,666, AGGTCTGTGCT deleted; deleting any 11 consecutive bases within chr7:128,844,654-128,844,666 gives the same sequence; the c. name uses the placement nearest the transcript's 3' end. VCF-style (leftmost placement, unchanged base first): chr7-128844653-CCTAGGTCTGTG-C. GRCh37 (hg19) VCF-style: chr7-128484707-CCTAGGTCTGTG-C.
Other names: c.3193-2_3201del (NM_001127487.2).
Identifiers: ClinVar variation 1805400 (VCV001805400.1), dbSNP rs2536636899, ClinGen allele CA2573102934.